The following is an entry in ClinVar:

ClinVar aggregate classification (germline): Uncertain significance (1 of 4 stars; one submission).

Conditions:
Inborn genetic diseases. Identifiers: MedGen C0950123, MeSH D030342.

Submission:

Ambry Genetics
Classification: Uncertain significance for Inborn genetic diseases. Last evaluated: 2026-06-23. Review status: criteria provided, single submitter. Criteria: Ambry Variant Classification Scheme 2023. Collection method: clinical testing. Allele origin: germline.
Comment: The c.1102-1G>A intronic variant results from a G to A substitution one nucleotide before coding exon 7 of the CHD3 gene. Alterations that disrupt the canonical splice site are expected to cause aberrant splicing, resulting in an abnormal protein or a transcript that is subject to nonsense-mediated mRNA decay. However, this region of the CHD3 gene is excluded from other biologically relevant CHD3 transcripts, and loss of function variants in this region of the CHD3 gene are more common in population databases than expected for likely pathogenic/disease-causing variants. The exact functional effect of this variant is unknown. Based on data from gnomAD, the A allele has an overall frequency of 0.001% (2/250490) total alleles studied. The highest observed frequency was 0.002% (2/113234) of European (non-Finnish) alleles. This nucleotide position is well conserved in available vertebrate species. In silico splice site analysis predicts that this alteration will weaken the annotated native splice acceptor site. Based on insufficient or conflicting evidence, the clinical significance of this alteration remains unclear.

NM_001005273.3(CHD3):c.925-1G>A

Genes: CHD3 (chromodomain helicase DNA binding protein 3; plus strand), LOC126862484 (CDK7 strongly-dependent group 2 enhancer GRCh37_chr17:7797066-7798265; plus strand). Cytogenetic location: 17p13.1.
Variant type: single nucleotide variant.
Coding change: c.925-1G>A on transcript NM_001005273.3 (MANE Select); the canonical splice acceptor site of the intron before coding-DNA position 925, G replaced by A.
Molecular consequence: splice acceptor variant. On other transcripts: intron variant (3).
Genome position (GRCh38, 1-based): chr17:7,894,114, G>A. VCF-style: chr17-7894114-G-A. GRCh37 (hg19) VCF-style: chr17-7797432-G-A.
Other names: c.1102-1G>A (NM_001437504.1, NM_001005271.3); c.1102-13G>A (NM_001437509.1, NM_001437507.1, NM_001437508.1); c.925-1G>A (NM_005852.4).
Identifiers: ClinVar variation 5034497 (VCV005034497.1).